The following is an entry in ClinVar:

NM_007294.4(BRCA1):c.3392_3393delinsTA (p.Asp1131Val)

Genes: BRCA1 (BRCA1 DNA repair associated; minus strand), LOC126862571 (BRD4-independent group 4 enhancer GRCh37_chr17:41243136-41244335; plus strand). Cytogenetic location: 17q21.31.
Variant type: Indel.
Coding change: c.3392_3393delinsTA on transcript NM_007294.4 (MANE Select); coding-DNA positions 3392 to 3393, AT replaced by TA.
Protein change: p.Asp1131Val; replaces aspartic acid 1131 with valine.
Molecular consequence: missense variant. On other transcripts: intron variant (135).
Genome position (GRCh38, 1-based): chr17:43,092,138-43,092,139, AT replaced by TA on the plus strand (AT replaced by TA on the coding strand, the reverse complement: BRCA1 is on the minus strand). VCF-style: chr17-43092138-AT-TA. GRCh37 (hg19) VCF-style: chr17-41244155-AT-TA.
Other names: c.3179_3180delinsTA, p.Asp1060Val (NM_001407571.1, NM_001407853.1, NM_001407894.1 and 9 more transcripts); c.3392_3393delinsTA, p.Asp1131Val (NM_001407581.1, NM_001407582.1, NM_001407583.1 and 30 more transcripts); c.3389_3390delinsTA, p.Asp1130Val (NM_001407587.1, NM_001407590.1, NM_001407591.1 and 22 more transcripts); c.3383_3384delinsTA, p.Asp1128Val (NM_001407646.1, NM_001407647.1); c.3269_3270delinsTA, p.Asp1090Val (NM_001407648.1, NM_001407664.1, NM_001407665.1 and 19 more transcripts); c.3266_3267delinsTA, p.Asp1089Val (NM_001407649.1, NM_001407670.1, NM_001407671.1 and 11 more transcripts); c.3314_3315delinsTA, p.Asp1105Val (NM_001407653.1, NM_001407654.1, NM_001407655.1 and 4 more transcripts); c.3311_3312delinsTA, p.Asp1104Val (NM_001407659.1, NM_001407660.1, NM_001407661.1 and 1 more transcripts); and 41 more; short protein forms D1084V, D1131V, D1060V, D1089V, D1128V, D1003V, D1020V, D1042V.
Identifiers: ClinVar variation 187044 (VCV000187044.8), dbSNP rs786203428, ClinGen allele CA002193.

ClinVar aggregate classification (germline): Conflicting classifications of pathogenicity. Review status: criteria provided, conflicting classifications (1 of 4 stars). 2 submissions from 2 submitters: Uncertain significance (1); Likely benign (1). Last evaluated 2023-03-23.

Conditions:
Hereditary cancer-predisposing syndrome. Also called: Neoplastic Syndromes, Hereditary; Tumor predisposition; Hereditary Cancer Syndrome; Hereditary neoplastic syndrome. Identifiers: Orphanet 140162, MedGen C0027672, MeSH D009386, MONDO:0015356.

Submissions (2):

University of Washington Department of Laboratory Medicine, University of Washington
Classification: Likely benign for Hereditary cancer-predisposing syndrome. Last evaluated: 2023-03-23. Review status: criteria provided, single submitter. Criteria: Dines et al. (Genet Med. 2020). Collection method: curation. Allele origin: germline.
Comment: Missense variant in a coldspot region where missense variants are very unlikely to be pathogenic (PMID:31911673).

BRCA1 coldspot (exon 11 using historical exon numbering). Reclassification based on statistical prior probability

Ambry Genetics
Classification: Uncertain significance for Hereditary cancer-predisposing syndrome. Last evaluated: 2014-10-23. Review status: criteria provided, single submitter. Criteria: Ambry Variant Classification Scheme 2023. Collection method: clinical testing. Allele origin: germline.
Comment: The c.3392_3393delATinsTA variant (also known as p.D1131V or 3511_3512delATinsTA), located in coding exon 9 of the BRCA1 gene, results from an in-frame deletion of AT and insertion of TA between nucleotide positions 3392 and 3393. This results in the substitution of the aspartic acid residue for a valine residue at codon 1131, an amino acid with highly dissimilar properties. This variant was not reported in population based cohorts in the following databases: Database of Single Nucleotide Polymorphisms (dbSNP), NHLBI Exome Sequencing Project (ESP), and 1000 Genomes Project. In the ESP, this variant was not observed in 6503 samples (13006 alleles) with coverage at this position. To date, this alteration has been detected with an allele frequency of approximately 0.002% (greater than 64000 alleles tested) in our clinical cohort. This amino acid position is well conserved in available higher vertebrate species. Since supporting evidence is limited at this time, the clinical significance of p.D1131V remains unclear.